The following is an entry in ClinVar:

ClinVar aggregate classification (germline): Likely benign (1 of 4 stars; one submission).

Allele frequency attached by ClinVar (database versions not stated): gnomAD 0.00001; gnomAD exomes 0.00004; TOPMed 0.00002 and 0.00003.
gnomAD v4.1: 52 of 1,393,112 alleles (0.0037%); highest among the groups gnomAD compares: Non-Finnish European, 0.0043%; no homozygotes.

Submission:

GeneDx
Classification: Likely benign. Last evaluated: 2017-10-18. Review status: criteria provided, single submitter. Criteria: GeneDx Variant Classification (06012015). Collection method: clinical testing. Allele origin: germline. Affected: yes.
Comment: This variant is considered likely benign or benign based on one or more of the following criteria: it is a conservative change, it occurs at a poorly conserved position in the protein, it is predicted to be benign by multiple in silico algorithms, and/or has population frequency not consistent with disease.

NM_021100.5(NFS1):c.-38T>G

Gene: NFS1 (NFS1 cysteine desulfurase; minus strand). Cytogenetic location: 20q11.22.
Variant type: single nucleotide variant.
Coding change: c.-38T>G on transcript NM_021100.5 (MANE Select); 38 bases upstream of the start codon, T replaced by G.
Molecular consequence: 5 prime UTR variant. On other transcripts: non-coding transcript variant (1).
Genome position (GRCh38, 1-based): chr20:35,699,326, A>C on the plus strand (T>G on the coding strand, the complement: NFS1 is on the minus strand). VCF-style: chr20-35699326-A-C. GRCh37 (hg19) VCF-style: chr20-34287248-A-C.
Other names: c.-38T>G (NM_001198989.2).
Identifiers: ClinVar variation 512555 (VCV000512555.1), dbSNP rs975021871, ClinGen allele CA314154310.